The following is an entry in ClinVar:

ClinVar aggregate classification (germline): Uncertain significance (1 of 4 stars; one submission).

Conditions:
Cardiovascular phenotype. Identifiers: MedGen CN230736.

Submission:

Ambry Genetics
Classification: Uncertain significance for Cardiovascular phenotype. Last evaluated: 2024-07-28. Review status: criteria provided, single submitter. Criteria: Ambry Variant Classification Scheme 2023. Collection method: clinical testing. Allele origin: germline.
Comment: The p.H717Y variant (also known as c.2149C>T), located in coding exon 19 of the ANK2 gene, results from a C to T substitution at nucleotide position 2149. The histidine at codon 717 is replaced by tyrosine, an amino acid with similar properties. This amino acid position is conserved. In addition, this alteration is predicted to be tolerated by in silico analysis. Based on the available evidence, the clinical significance of this variant remains unclear.

NM_001148.6(ANK2):c.2149C>T (p.His717Tyr)

Gene: ANK2 (ankyrin 2; plus strand). Cytogenetic location: 4q26.
Variant type: single nucleotide variant.
Coding change: c.2149C>T on transcript NM_001148.6 (MANE Select); coding-DNA position 2149, C replaced by T.
Protein change: p.His717Tyr; replaces histidine 717 with tyrosine.
Molecular consequence: missense variant.
Genome position (GRCh38, 1-based): chr4:113,287,674, C>T. VCF-style: chr4-113287674-C-T. GRCh37 (hg19) VCF-style: chr4-114208830-C-T.
Other names: c.2086C>T, p.His696Tyr (NM_001127493.3, NM_001354239.2, NM_001354243.2 and 10 more transcripts); c.2149C>T, p.His717Tyr (NM_001354225.2, NM_001354228.2, NM_001354232.2 and 6 more transcripts); c.2194C>T, p.His732Tyr (NM_001354230.2, NM_001354231.2, NM_001354237.2 and 5 more transcripts); c.2050C>T, p.His684Tyr (NM_001354245.2, NM_001354268.2); c.2062C>T, p.His688Tyr (NM_001354249.2, NM_001354264.2, NM_001354266.2 and 10 more transcripts); c.1987C>T, p.His663Tyr (NM_001354253.2, NM_001354257.2, NM_001354270.2 and 1 more transcripts); c.1963C>T, p.His655Tyr (NM_001354260.2, NM_001354271.2, NM_001386151.1); c.2107C>T, p.His703Tyr (NM_001354261.2, NM_001386147.1, NM_001386160.1); and 8 more; short protein forms H717Y, H651Y, H696Y, H705Y, H589Y, H655Y, H684Y, H703Y.
Identifiers: ClinVar variation 3539198 (VCV003539198.1).